The following is an entry in ClinVar:

NM_004560.4(ROR2):c.378C>A (p.Asp126Glu)

Gene: ROR2 (ROR family WNT receptor 2; minus strand). Cytogenetic location: 9q22.31.
Variant type: single nucleotide variant.
Coding change: c.378C>A on transcript NM_004560.4 (MANE Select); coding-DNA position 378, C replaced by A.
Protein change: p.Asp126Glu; replaces aspartic acid 126 with glutamic acid.
Molecular consequence: missense variant.
Genome position (GRCh38, 1-based): chr9:91,757,357, G>T on the plus strand (C>A on the coding strand, the complement: ROR2 is on the minus strand). VCF-style: chr9-91757357-G-T. GRCh37 (hg19) VCF-style: chr9-94519639-G-T.
Other names: c.378C>A, p.Asp126Glu (NM_001318204.2); short protein forms D126E.
Identifiers: ClinVar variation 1949581 (VCV001949581.29), dbSNP rs755804281, ClinGen allele CA373840607.

ClinVar aggregate classification (germline): Uncertain significance. Review status: criteria provided, multiple submitters, no conflicts (2 of 4 stars). 2 submissions from 2 submitters: Uncertain significance (2). Last evaluated 2023-04-01.

gnomAD v4.1: 1 of 1,613,978 alleles (0.000062%); no homozygotes.

Submissions (2):

CeGaT Center for Human Genetics Tuebingen
Classification: Uncertain significance. Last evaluated: 2023-04-01. Review status: criteria provided, single submitter. Criteria: CeGaT Center For Human Genetics Tuebingen Variant Classification Criteria Version 2. Collection method: clinical testing. Allele origin: germline. Affected: yes. Observed: 1 variant allele.
Comment: ROR2: PM2

Labcorp Genetics (formerly Invitae), Labcorp
Classification: Uncertain significance. Last evaluated: 2022-07-08. Review status: criteria provided, single submitter. Criteria: Invitae Variant Classification Sherloc (09022015). Collection method: clinical testing. Allele origin: germline.
Comment: In summary, the available evidence is currently insufficient to determine the role of this variant in disease. Therefore, it has been classified as a Variant of Uncertain Significance. Advanced modeling of protein sequence and biophysical properties (such as structural, functional, and spatial information, amino acid conservation, physicochemical variation, residue mobility, and thermodynamic stability) performed at Invitae indicates that this missense variant is not expected to disrupt ROR2 protein function. This variant has not been reported in the literature in individuals affected with ROR2-related conditions. This variant is not present in population databases (gnomAD no frequency). This sequence change replaces aspartic acid, which is acidic and polar, with glutamic acid, which is acidic and polar, at codon 126 of the ROR2 protein (p.Asp126Glu).